The following is an entry in ClinVar:

NM_001267550.2(TTN):c.54127dup (p.Tyr18043fs)

Genes: TTN (titin; minus strand), TTN-AS1 (TTN antisense RNA 1; plus strand). Cytogenetic location: 2q31.2.
Variant type: Duplication.
Coding change: c.54127dup on transcript NM_001267550.2 (MANE Select); coding-DNA position 54127, one base duplicated (T; older notation c.54127dupT).
Protein change: p.Tyr18043fs; shifts the reading frame from tyrosine 18043.
Molecular consequence: frameshift variant. On other transcripts: non-coding transcript variant (1).
Genome position (GRCh38, 1-based): chr2:178,605,050, A duplicated on the plus strand (T on the coding strand, the reverse complement: TTN is on the minus strand); the first of 2 consecutive A bases (chr2:178,605,050-178,605,051); duplicating either gives the same sequence. VCF-style (leftmost placement, unchanged base first): chr2-178605049-T-TA. GRCh37 (hg19) VCF-style: chr2-179469776-T-TA.
Other names: c.27508dup, p.Tyr9170fs (NM_133437.4); c.49204dup, p.Tyr16402fs (NM_001256850.1); c.26932dup, p.Tyr8978fs (NM_003319.4); c.46423dup, p.Tyr15475fs (NM_133378.4); c.27307dup, p.Tyr9103fs (NM_133432.3); short protein forms Y15475fs, Y16402fs, Y18043fs, Y8978fs, Y9103fs, Y9170fs.
Identifiers: ClinVar variation 4820576 (VCV004820576.1).
Genomic context (GRCh38, chr2:178,605,049, plus strand): 5'-TATACTTCAACGTGAACATTTCGGAACACTGAGCCAAGGCGATTGGAAGCAGTAACTGTG[T>TA]AAGTGCCTTTGTCCTCCCGGACCGCTTTGGGAATGCTAAGCTCAGTTTTTGCCTCACTTC-3'

ClinVar aggregate classification (germline): Likely pathogenic (1 of 4 stars; one submission).

Conditions:
Dilated and arrhythmogenic cardiomyopathy.

Submission:

North West Genomic Laboratory Hub, Manchester University NHS Foundation Trust
Classification: Likely pathogenic for Dilated and arrhythmogenic cardiomyopathy. Last evaluated: 2025-01-13. Review status: criteria provided, single submitter. Criteria: ACGS Best Practice Guidelines for Variant Classification in Rare Disease 2024. Collection method: clinical testing. Allele origin: germline. Affected: yes.
Comment: PVS1_Str PM2_Mod PS4_Supp